The following is an entry in ClinVar:

NM_025265.4(TSEN2):c.694C>T (p.Arg232Cys)

Gene: TSEN2 (tRNA splicing endonuclease subunit 2; plus strand). Cytogenetic location: 3p25.2.
Variant type: single nucleotide variant.
Coding change: c.694C>T on transcript NM_025265.4 (MANE Select); coding-DNA position 694, C replaced by T.
Protein change: p.Arg232Cys; replaces arginine 232 with cysteine.
Molecular consequence: missense variant. On other transcripts: non-coding transcript variant (1).
Genome position (GRCh38, 1-based): chr3:12,503,647, C>T. VCF-style: chr3-12503647-C-T. GRCh37 (hg19) VCF-style: chr3-12545146-C-T.
Other names: c.694C>T, p.Arg232Cys (NM_001145392.2, NM_001145393.3, NM_001321277.2 and 2 more transcripts); c.517C>T, p.Arg173Cys (NM_001145394.2); short protein forms R173C, R232C.
Identifiers: ClinVar variation 1408852 (VCV001408852.4), dbSNP rs553531943, ClinGen allele CA2258577.

ClinVar aggregate classification (germline): Uncertain significance (1 of 4 stars; one submission).

Allele frequency attached by ClinVar (database versions not stated): ExAC 0.00001; gnomAD exomes 0.00002 and 0.00003; gnomAD 0.00003; TOPMed 0.00004; 1000 Genomes Project 30x 0.00016; 1000 Genomes Project 0.00020.

Submission:

Labcorp Genetics (formerly Invitae), Labcorp
Classification: Uncertain significance. Last evaluated: 2022-11-08. Review status: criteria provided, single submitter. Criteria: Invitae Variant Classification Sherloc (09022015). Collection method: clinical testing. Allele origin: germline.
Comment: This variant is present in population databases (rs553531943, gnomAD 0.01%). In summary, the available evidence is currently insufficient to determine the role of this variant in disease. Therefore, it has been classified as a Variant of Uncertain Significance. Advanced modeling of protein sequence and biophysical properties (such as structural, functional, and spatial information, amino acid conservation, physicochemical variation, residue mobility, and thermodynamic stability) performed at Invitae indicates that this missense variant is not expected to disrupt TSEN2 protein function. ClinVar contains an entry for this variant (Variation ID: 1408852). This variant has not been reported in the literature in individuals affected with TSEN2-related conditions. This sequence change replaces arginine, which is basic and polar, with cysteine, which is neutral and slightly polar, at codon 232 of the TSEN2 protein (p.Arg232Cys).